The following is an entry in ClinVar:

NM_001372.4(DNAH9):c.9322A>T (p.Ile3108Phe)

Gene: DNAH9 (dynein axonemal heavy chain 9; plus strand). Cytogenetic location: 17p12.
Variant type: single nucleotide variant.
Coding change: c.9322A>T on transcript NM_001372.4 (MANE Select); coding-DNA position 9322, A replaced by T.
Protein change: p.Ile3108Phe; replaces isoleucine 3108 with phenylalanine.
Molecular consequence: missense variant.
Genome position (GRCh38, 1-based): chr17:11,834,713, A>T. VCF-style: chr17-11834713-A-T. GRCh37 (hg19) VCF-style: chr17-11738030-A-T.
Other names: short protein forms I3108F.
Identifiers: ClinVar variation 4771125 (VCV004771125.1).

ClinVar aggregate classification (germline): Uncertain significance (1 of 4 stars; one submission).

gnomAD v4.1: 8 of 1,614,000 alleles (0.0005%); highest among the groups gnomAD compares: Non-Finnish European, 0.00068%; no homozygotes.

Submission:

Labcorp Genetics (formerly Invitae), Labcorp
Classification: Uncertain significance. Last evaluated: 2025-09-15. Review status: criteria provided, single submitter. Criteria: Invitae Variant Classification Sherloc (09022015). Collection method: clinical testing. Allele origin: germline.
Comment: This sequence change replaces isoleucine, which is neutral and non-polar, with phenylalanine, which is neutral and non-polar, at codon 3108 of the DNAH9 protein (p.Ile3108Phe). This variant is not present in population databases (gnomAD no frequency). This variant has not been reported in the literature in individuals affected with DNAH9-related conditions. Invitae Evidence Modeling of protein sequence and biophysical properties (such as structural, functional, and spatial information, amino acid conservation, physicochemical variation, residue mobility, and thermodynamic stability) indicates that this missense variant is expected to disrupt DNAH9 protein function with a positive predictive value of 80%. In summary, the available evidence is currently insufficient to determine the role of this variant in disease. Therefore, it has been classified as a Variant of Uncertain Significance.